The following is an entry in ClinVar:

NM_001358921.2(COQ2):c.551del (p.Leu184fs)

Gene: COQ2 (coenzyme Q2, polyprenyltransferase; minus strand). Cytogenetic location: 4q21.23.
Variant type: Deletion.
Coding change: c.551del on transcript NM_001358921.2 (MANE Select); coding-DNA position 551, one base deleted (T; older notation c.551delT).
Protein change: p.Leu184fs; shifts the reading frame from leucine 184.
Molecular consequence: frameshift variant.
Genome position (GRCh38, 1-based): chr4:83,272,164, A deleted on the plus strand (T on the coding strand, the reverse complement: COQ2 is on the minus strand). VCF-style (leftmost placement, unchanged base first): chr4-83272163-CA-C. GRCh37 (hg19) VCF-style: chr4-84193316-CA-C.
Other names: c.701del, p.Leu234fs (NM_015697.9); short protein forms L184fs, L234fs.
Identifiers: ClinVar variation 2203551 (VCV002203551.4), dbSNP rs1458437821, ClinGen allele CA552791603.

ClinVar aggregate classification (germline): Pathogenic (1 of 4 stars; one submission).

Allele frequency attached by ClinVar (database versions not stated): gnomAD 0.00001; TOPMed 0.00001; gnomAD exomes 0.00002.

Submission:

Labcorp Genetics (formerly Invitae), Labcorp
Classification: Pathogenic. Last evaluated: 2025-05-07. Review status: criteria provided, single submitter. Criteria: Invitae Variant Classification Sherloc (09022015). Collection method: clinical testing. Allele origin: germline.
Comment: This sequence change creates a premature translational stop signal (p.Leu234Argfs*14) in the COQ2 gene. It is expected to result in an absent or disrupted protein product. Loss-of-function variants in COQ2 are known to be pathogenic (PMID: 16400613, 17374725). This variant is present in population databases (no rsID available, gnomAD 0.0009%). This premature translational stop signal has been observed in individual(s) with nephrotic syndrome (PMID: 23349334). This variant is also known as c.701delT. ClinVar contains an entry for this variant (Variation ID: 2203551). For these reasons, this variant has been classified as Pathogenic.

Literature cited by the submitters: PubMed 16400613; PubMed 17374725; PubMed 23349334.